The following is an entry in ClinVar:

NM_000051.4(ATM):c.3489C>T (p.Ser1163=)

Gene: ATM (ATM serine/threonine kinase; plus strand). Cytogenetic location: 11q22.3.
Variant type: single nucleotide variant.
Coding change: c.3489C>T on transcript NM_000051.4 (MANE Select); coding-DNA position 3489, C replaced by T.
Protein change: p.Ser1163=; no amino-acid change (serine 1163 retained).
Molecular consequence: synonymous variant.
Genome position (GRCh38, 1-based): chr11:108,281,081, C>T. VCF-style: chr11-108281081-C-T. GRCh37 (hg19) VCF-style: chr11-108151808-C-T.
Other names: c.3489C>T, p.Ser1163= (NM_001351834.2).
Identifiers: ClinVar variation 219452 (VCV000219452.20), dbSNP rs864622097, ClinGen allele CA350763.

ClinVar aggregate classification (germline): Conflicting classifications of pathogenicity. Review status: criteria provided, conflicting classifications (1 of 4 stars). 5 submissions from 5 submitters: Likely pathogenic (2); Uncertain significance (2); Likely benign (1). Last evaluated 2026-03-06.

Conditions:
Familial cancer of breast. Also called: BREAST CANCER, FAMILIAL; hereditary breast carcinoma; Hereditary breast cancer. Identifiers: Orphanet 227535, MedGen C0346153, MONDO:0016419, OMIM 114480. Disease mechanism: loss of function.
Hereditary cancer-predisposing syndrome. Also called: Tumor predisposition; Hereditary neoplastic syndrome; Hereditary Cancer Syndrome; Neoplastic Syndromes, Hereditary. Identifiers: Orphanet 140162, MedGen C0027672, MeSH D009386, MONDO:0015356.
Ataxia-telangiectasia syndrome (AT). Also called: Ataxia-telangiectasia; Cerebello-oculocutaneous telangiectasia; Immunodeficiency with ataxia telangiectasia; Ataxia-telangiectasia, complementation group D; AT, COMPLEMENTATION GROUP C; LOUIS-BAR SYNDROME. Identifiers: Orphanet 100, MedGen C0004135, MONDO:0008840, OMIM 208900.

Submissions (5):

Ambry Genetics
Classification: Uncertain significance for Hereditary cancer-predisposing syndrome. Last evaluated: 2026-03-06. Review status: criteria provided, single submitter. Criteria: Ambry Variant Classification Scheme 2023. Collection method: clinical testing. Allele origin: germline.
Comment: The c.3489C>T variant (also known as p.S1163S), located in coding exon 23 of the ATM gene, results from a C to T substitution at nucleotide position 3489. This nucleotide substitution does not change the at codon 1163. However, this change occurs in the base pair of coding exon 23, which makes it likely to have some effect on normal mRNA splicing. This nucleotide position is well conserved in available vertebrate species. In silico splice site analysis predicts that this alteration may result in the creation or strengthening of a novel splice acceptor site. In an assay testing ATM function, this variant showed a functionally abnormal result (Lee KS et al Cell 2025 Sep;188(18):5081-5099.e27). This variant was reported in an individual with features consistent with Ataxia-telangiectasia (A-T) (Hoche F et al. Cerebellum 2019 Apr;18(2):225-244). Based on the available evidence, the clinical significance of this variant remains unclear.

Labcorp Genetics (formerly Invitae), Labcorp
Classification: Likely pathogenic for Ataxia-telangiectasia syndrome. Last evaluated: 2025-12-24. Review status: criteria provided, single submitter. Criteria: Invitae Variant Classification Sherloc (09022015). Collection method: clinical testing. Allele origin: germline.
Comment: This sequence change affects codon 1163 of the ATM mRNA. It is a 'silent' change, meaning that it does not change the encoded amino acid sequence of the ATM protein. This variant is not present in population databases (gnomAD no frequency). This variant has been observed in individual(s) with ataxia-telangiectasia (PMID: 30338439; internal data). In at least one individual the data is consistent with being in trans (on the opposite chromosome) from a pathogenic variant. It has also been observed to segregate with disease in related individuals. ClinVar contains an entry for this variant (Variation ID: 219452). Algorithms developed to predict the effect of sequence changes on RNA splicing suggest that this variant may disrupt the consensus splice site. In summary, the currently available evidence indicates that the variant is pathogenic, but additional data are needed to prove that conclusively. Therefore, this variant has been classified as Likely Pathogenic.

Color Diagnostics, LLC DBA Color Health
Classification: Uncertain significance for Hereditary cancer-predisposing syndrome. Last evaluated: 2025-04-30. Review status: criteria provided, single submitter. Criteria: ACMG Guidelines, 2015. Collection method: clinical testing. Allele origin: germline.
Comment: This synonymous variant causes a C>T nucleotide change in exon 24 of the ATM gene. Splice site prediction tools indicate that this variant may activate a cryptic splice acceptor site 92 nucleotides downstream of the native intron 24 splice acceptor site. This variant has been reported to impact RNA splicing by an external laboratory, however, detailed data are not available for review (ClinVar Accession: SCV005085197.3). This variant has been observed with a second pathogenic variant in unknown phase in an individual affected with autosomal recessive Ataxia-Telangiectasia (PMID: 30338439, 37438524), indicating that this variant contributes to disease. This variant has not been identified in the general population by the Genome Aggregation Database (gnomAD). The available evidence is insufficient to determine the role of this variant in disease conclusively. Therefore, this variant is classified as a Variant of Uncertain Significance.

Center for Genomic Medicine, Rigshospitalet, Copenhagen University Hospital
Classification: Likely benign. Last evaluated: 2025-03-04. Review status: criteria provided, single submitter. Criteria: ACMG Guidelines, 2015. Collection method: clinical testing. Allele origin: germline.

Myriad Genetics, Inc.
Classification: Likely pathogenic for Familial cancer of breast. Last evaluated: 2024-12-11. Review status: criteria provided, single submitter. Criteria: Myriad Autosomal Dominant, Autosomal Recessive and X-Linked Classification Criteria (2023). Collection method: clinical testing. Allele origin: unknown.
Comment: This variant is considered likely pathogenic. This variant has been reported in multiple individuals with clinical features of gene-specific disease [PMID: 30338439]. mRNA analysis has demonstrated abnormal mRNA splicing occurs [Myriad internal data].

Literature cited by the submitters: PubMed 30338439 (cited by 3 submitters); PubMed 37438524 (cited by Color Diagnostics, LLC DBA Color Health).